The following is an entry in ClinVar:

NM_021942.6(TRAPPC11):c.2851+5G>T

Gene: TRAPPC11 (trafficking protein particle complex subunit 11; plus strand). Cytogenetic location: 4q35.1.
Variant type: single nucleotide variant.
Coding change: c.2851+5G>T on transcript NM_021942.6 (MANE Select); 5 bases into the intron after coding-DNA position 2851, G replaced by T.
Molecular consequence: intron variant.
Genome position (GRCh38, 1-based): chr4:183,697,840, G>T. VCF-style: chr4-183697840-G-T. GRCh37 (hg19) VCF-style: chr4-184618993-G-T.
Other names: c.2851+5G>T (NM_199053.3).
Identifiers: ClinVar variation 2243062 (VCV002243062.2), dbSNP rs373713956, ClinGen allele CA2580071736.

ClinVar aggregate classification (germline): Uncertain significance (1 of 4 stars; one submission).

Conditions:
Inborn genetic diseases. Identifiers: MedGen C0950123, MeSH D030342.

Submission:

Ambry Genetics
Classification: Uncertain significance for Inborn genetic diseases. Last evaluated: 2021-09-29. Review status: criteria provided, single submitter. Criteria: Ambry Variant Classification Scheme 2023. Collection method: clinical testing. Allele origin: germline.
Comment: The c.2851+5G>T intronic alteration consists of a G to T substitution 5 nucleotides after exon 25 (coding exon 24) of the TRAPPC11 gene. Based on insufficient or conflicting evidence, the clinical significance of this alteration remains unclear.